The following is an entry in ClinVar:

NM_002109.6(HARS1):c.1106T>C (p.Met369Thr)

Gene: HARS1 (histidyl-tRNA synthetase 1; minus strand). Cytogenetic location: 5q31.3.
Variant type: single nucleotide variant.
Coding change: c.1106T>C on transcript NM_002109.6 (MANE Select); coding-DNA position 1106, T replaced by C.
Protein change: p.Met369Thr; replaces methionine 369 with threonine.
Molecular consequence: missense variant.
Genome position (GRCh38, 1-based): chr5:140,676,742, A>G on the plus strand (T>C on the coding strand, the complement: HARS1 is on the minus strand). VCF-style: chr5-140676742-A-G. GRCh37 (hg19) VCF-style: chr5-140056327-A-G.
Other names: c.986T>C, p.Met329Thr (NM_001258040.3); c.1046T>C, p.Met349Thr (NM_001258041.3); c.926T>C, p.Met309Thr (NM_001258042.3); c.884T>C, p.Met295Thr (NM_001289092.2); c.764T>C, p.Met255Thr (NM_001289093.2); c.1019T>C, p.Met340Thr (NM_001289094.2); short protein forms M255T, M295T, M309T, M329T, M340T, M349T, M369T.
Identifiers: ClinVar variation 1680305 (VCV001680305.6), dbSNP rs764631385, ClinGen allele CA3443924.
Genomic context (GRCh38, chr5:140,676,742, plus strand): 5'-ATCCGCTCCACCCCAATGCTGAGCCCCACACATGGCACCTTGCGCCCTTTGGGGTCGAAC[A>G]TGCCCACTAGCCCATCATAGCGTCCTCCAGCAGCCACACTGCCCACACCCAGGGGCTCTT-3'
Protein context (NP_002100.2, residues 359-379): AGGRYDGLVG[Met369Thr]FDPKGRKVPC

ClinVar aggregate classification (germline): Uncertain significance (1 of 4 stars; one submission).

Conditions:
Usher syndrome type 3B. Also called: USHER SYNDROME, TYPE IIIB. Identifiers: MedGen C3281066, MONDO:0013788, OMIM 614504.

Allele frequency attached by ClinVar (database versions not stated): TOPMed below 0.00001; ExAC 0.00001; gnomAD 0.00001.
gnomAD v4.1: 1 of 1,614,100 alleles (0.000062%); highest among the groups gnomAD compares: South Asian, 0.0011%; no homozygotes.

Submission:

Labcorp Genetics (formerly Invitae), Labcorp
Classification: Uncertain significance for Usher syndrome type 3B. Last evaluated: 2024-01-29. Review status: criteria provided, single submitter. Criteria: Invitae Variant Classification Sherloc (09022015). Collection method: clinical testing. Allele origin: germline.
Comment: This sequence change replaces methionine, which is neutral and non-polar, with threonine, which is neutral and polar, at codon 369 of the HARS protein (p.Met369Thr). This variant is not present in population databases (gnomAD no frequency). This variant has not been reported in the literature in individuals affected with HARS-related conditions. ClinVar contains an entry for this variant (Variation ID: 1680305). Advanced modeling of protein sequence and biophysical properties (such as structural, functional, and spatial information, amino acid conservation, physicochemical variation, residue mobility, and thermodynamic stability) performed at Invitae indicates that this missense variant is not expected to disrupt HARS protein function with a negative predictive value of 80%. In summary, the available evidence is currently insufficient to determine the role of this variant in disease. Therefore, it has been classified as a Variant of Uncertain Significance.